The following is an entry in ClinVar:

ClinVar aggregate classification (germline): Benign. Review status: criteria provided, multiple submitters, no conflicts (2 of 4 stars). 2 submissions from 2 submitters: Benign (2). Last evaluated 2018-06-20.

Allele frequency attached by ClinVar (database versions not stated): gnomAD exomes 0.10751; gnomAD 0.11285 and 0.11343; TOPMed 0.12502; 1000 Genomes Project 0.13019; 1000 Genomes Project 30x 0.13398.
gnomAD v4.1: 69,671 of 639,554 alleles (11%); highest among the groups gnomAD compares: Admixed American, 21%; 4,402 homozygotes.

Submissions (2):

GeneDx
Classification: Benign. Last evaluated: 2018-06-20. Review status: criteria provided, single submitter. Criteria: GeneDx Variant Classification (06012015). Collection method: clinical testing. Allele origin: germline. Affected: yes.
Comment: This variant is considered likely benign or benign based on one or more of the following criteria: it is a conservative change, it occurs at a poorly conserved position in the protein, it is predicted to be benign by multiple in silico algorithms, and/or has population frequency not consistent with disease.

Breakthrough Genomics
Classification: Benign. Review status: criteria provided, single submitter. Criteria: ACMG Guidelines, 2015. Collection method: not provided. Allele origin: germline. Inheritance: Autosomal recessive inheritance. Affected: yes.

NM_006096.4(NDRG1):c.856-221A>T

Gene: NDRG1 (N-myc downstream regulated 1; minus strand). Cytogenetic location: 8q24.22.
Variant type: single nucleotide variant.
Coding change: c.856-221A>T on transcript NM_006096.4 (MANE Select); 221 bases into the intron before coding-DNA position 856, A replaced by T.
Molecular consequence: intron variant.
Genome position (GRCh38, 1-based): chr8:133,244,611, T>A on the plus strand (A>T on the coding strand, the complement: NDRG1 is on the minus strand). VCF-style: chr8-133244611-T-A. GRCh37 (hg19) VCF-style: chr8-134256854-T-A.
Other names: c.658-221A>T (NM_001258432.2, NM_001374847.1); c.613-221A>T (NM_001258433.2); c.907-221A>T (NM_001374844.1); c.856-221A>T (NM_001135242.2, NM_001374845.1, NM_001374846.1).
Identifiers: ClinVar variation 672535 (VCV000672535.2), dbSNP rs58851829, ClinGen allele CA12741380.